The following is an entry in ClinVar:

NC_000016.9:g.(?_28905466)_(28915536_?)dup

Gene: ATP2A1 (ATPase sarcoplasmic/endoplasmic reticulum Ca2+ transporting 1; plus strand). Cytogenetic location: 16p11.2.
Variant type: Duplication.
Identifiers: ClinVar variation 1485543 (VCV001485543.7).

ClinVar aggregate classification (germline): Uncertain significance (1 of 4 stars; one submission).

Conditions:
Brody myopathy. Also called: BRODY DISEASE. Identifiers: Orphanet 53347, MedGen C1832918, MONDO:0010977, OMIM 601003.

Submission:

Labcorp Genetics (formerly Invitae), Labcorp
Classification: Uncertain significance for Brody myopathy. Last evaluated: 2022-03-08. Review status: criteria provided, single submitter. Criteria: Invitae Variant Classification Sherloc (09022015). Collection method: clinical testing. Allele origin: germline.
Comment: In summary, the available evidence is currently insufficient to determine the role of this variant in disease. Therefore, it has been classified as a Variant of Uncertain Significance. This variant has not been reported in the literature in individuals affected with ATP2A1-related conditions. This variant results in a copy number gain of the genomic region encompassing exon(s) 10-22 of the ATP2A1 gene. This region includes the termination codon of the gene. This copy number gain extends beyond the assayed region for this gene and therefore may encompass additional genes. As the precise location of this event is unknown, it may be in tandem or it may be located elsewhere in the genome.